The following is an entry in ClinVar:

NM_003070.5(SMARCA2):c.197C>T (p.Pro66Leu)

Gene: SMARCA2 (SWI/SNF related BAF chromatin remodeling complex subunit ATPase 2; plus strand). Cytogenetic location: 9p24.3.
Variant type: single nucleotide variant.
Coding change: c.197C>T on transcript NM_003070.5 (MANE Select); coding-DNA position 197, C replaced by T.
Protein change: p.Pro66Leu; replaces proline 66 with leucine.
Molecular consequence: missense variant.
Genome position (GRCh38, 1-based): chr9:2,029,219, C>T. VCF-style: chr9-2029219-C-T. GRCh37 (hg19) VCF-style: chr9-2029219-C-T.
Other names: c.197C>T, p.Pro66Leu (NM_001289396.2, NM_001289397.2, NM_139045.4); short protein forms P66L.
Identifiers: ClinVar variation 4801776 (VCV004801776.1).
Genomic context (GRCh38, chr9:2,029,219, plus strand): 5'-CAAGTCCTGGACCTCCAAGTGTCTCCCATCCTATGCCGACGATGGGGTCCACAGACTTCC[C>T]ACAGGAAGGCATGCATCAAATGCATAAGGTAAGAGTTTGTTCTCCCATTCAAACTCAACT-3'
Protein context (NP_003061.3, residues 56-76): PMPTMGSTDF[Pro66Leu]QEGMHQMHKP

ClinVar aggregate classification (germline): Uncertain significance (1 of 4 stars; one submission).

gnomAD v4.1: 1 of 1,612,520 alleles (0.000062%); highest among the groups gnomAD compares: South Asian, 0.0011%; no homozygotes.

Submission:

Labcorp Genetics (formerly Invitae), Labcorp
Classification: Uncertain significance. Last evaluated: 2026-01-05. Review status: criteria provided, single submitter. Criteria: Invitae Variant Classification Sherloc (09022015). Collection method: clinical testing. Allele origin: germline.
Comment: This sequence change replaces proline, which is neutral and non-polar, with leucine, which is neutral and non-polar, at codon 66 of the SMARCA2 protein (p.Pro66Leu). This variant is not present in population databases (gnomAD no frequency). This variant has not been reported in the literature in individuals affected with SMARCA2-related conditions. Invitae Evidence Modeling of protein sequence and biophysical properties (such as structural, functional, and spatial information, amino acid conservation, physicochemical variation, residue mobility, and thermodynamic stability) indicates that this missense variant is not expected to disrupt SMARCA2 protein function with a negative predictive value of 80%. In summary, the available evidence is currently insufficient to determine the role of this variant in disease. Therefore, it has been classified as a Variant of Uncertain Significance.